The following is an entry in ClinVar:

ClinVar aggregate classification (germline): Uncertain significance. Review status: criteria provided, multiple submitters, no conflicts (2 of 4 stars). 3 submissions from 2 submitters: Uncertain significance (3). Last evaluated 2022-12-02.

Conditions:
Autosomal recessive nonsyndromic hearing loss 31. Also called: WHIRLER, MOUSE, HOMOLOG OF. Identifiers: Orphanet 90636, MedGen C1846839, MONDO:0011767, OMIM 607084.
Usher syndrome type 2D. Also called: USHER SYNDROME, TYPE IID. Identifiers: Orphanet 231178, Orphanet 886, MedGen C1568249, MONDO:0012662, OMIM 611383.

Allele frequency attached by ClinVar (database versions not stated): gnomAD exomes below 0.00001; gnomAD 0.00001; ESP Exome Variant Server 0.00008.
gnomAD v4.1: 9 of 1,612,268 alleles (0.00056%); highest among the groups gnomAD compares: Admixed American, 0.0017%; no homozygotes.

Submissions (3):

GeneDx
Classification: Uncertain significance. Last evaluated: 2022-12-02. Review status: criteria provided, single submitter. Criteria: GeneDx Variant Classification Process June 2021. Collection method: clinical testing. Allele origin: germline. Affected: yes.
Comment: Not observed at significant frequency in large population cohorts (gnomAD); In silico analysis supports that this missense variant does not alter protein structure/function; Has not been previously published as pathogenic or benign to our knowledge

Illumina Laboratory Services, Illumina
Classification: Uncertain significance for Usher syndrome type 2D. Last evaluated: 2018-01-13. Review status: criteria provided, single submitter. Criteria: ICSL Variant Classification Criteria 13 December 2019. Collection method: clinical testing. Allele origin: germline.

Illumina Laboratory Services, Illumina
Classification: Uncertain significance for Autosomal recessive nonsyndromic hearing loss 31. Last evaluated: 2018-01-13. Review status: criteria provided, single submitter. Criteria: ICSL Variant Classification Criteria 13 December 2019. Collection method: clinical testing. Allele origin: germline.

NM_015404.4(WHRN):c.1378G>A (p.Val460Ile)

Gene: WHRN (whirlin; minus strand). Cytogenetic location: 9q32.
Variant type: single nucleotide variant.
Coding change: c.1378G>A on transcript NM_015404.4 (MANE Select); coding-DNA position 1378, G replaced by A.
Protein change: p.Val460Ile; replaces valine 460 with isoleucine.
Molecular consequence: missense variant.
Genome position (GRCh38, 1-based): chr9:114,424,372, C>T on the plus strand (G>A on the coding strand, the complement: WHRN is on the minus strand). VCF-style: chr9-114424372-C-T. GRCh37 (hg19) VCF-style: chr9-117186652-C-T.
Other names: c.1378G>A (NM_015404.2); c.229G>A, p.Val77Ile (NM_001083885.3); c.1378G>A, p.Val460Ile (NM_001173425.2); c.325G>A, p.Val109Ile (NM_001346890.1); short protein forms V460I, V77I, V109I.
Identifiers: ClinVar variation 364688 (VCV000364688.6), dbSNP rs373389359, ClinGen allele CA10632334.